The following is an entry in ClinVar:

ClinVar aggregate classification (germline): Uncertain significance (1 of 4 stars; one submission).

Allele frequency attached by ClinVar (database versions not stated): gnomAD exomes 0.00001; TOPMed 0.00003; gnomAD 0.00001.
gnomAD v4.1: 13 of 1,522,006 alleles (0.00085%); highest among the groups gnomAD compares: Admixed American, 0.0021%; no homozygotes.

Submission:

Labcorp Genetics (formerly Invitae), Labcorp
Classification: Uncertain significance. Last evaluated: 2025-08-04. Review status: criteria provided, single submitter. Criteria: Invitae Variant Classification Sherloc (09022015). Collection method: clinical testing. Allele origin: germline.
Comment: This sequence change replaces cysteine, which is neutral and slightly polar, with tyrosine, which is neutral and polar, at codon 240 of the LOR protein (p.Cys240Tyr). This variant is present in population databases (no rsID available, gnomAD 0.005%). This variant has not been reported in the literature in individuals affected with LOR-related conditions. ClinVar contains an entry for this variant (Variation ID: 3000734). Experimental studies and prediction algorithms are not available or were not evaluated, and the functional significance of this variant is currently unknown. In summary, the available evidence is currently insufficient to determine the role of this variant in disease. Therefore, it has been classified as a Variant of Uncertain Significance.

NM_000427.3(LORICRIN):c.719G>A (p.Cys240Tyr)

Gene: LORICRIN (loricrin cornified envelope precursor protein; plus strand). Cytogenetic location: 1q21.3.
Variant type: single nucleotide variant.
Coding change: c.719G>A on transcript NM_000427.3 (MANE Select); coding-DNA position 719, G replaced by A.
Protein change: p.Cys240Tyr; replaces cysteine 240 with tyrosine.
Molecular consequence: missense variant.
Genome position (GRCh38, 1-based): chr1:153,261,668, G>A. VCF-style: chr1-153261668-G-A. GRCh37 (hg19) VCF-style: chr1-153234144-G-A.
Other names: short protein forms C240Y.
Identifiers: ClinVar variation 3000734 (VCV003000734.3), dbSNP rs1029336087, ClinGen allele CA30649320.